The following is an entry in ClinVar:

NM_198253.3(TERT):c.1561C>T (p.Arg521Cys)

Gene: TERT (telomerase reverse transcriptase; minus strand). Cytogenetic location: 5p15.33.
Variant type: single nucleotide variant.
Coding change: c.1561C>T on transcript NM_198253.3 (MANE Select); coding-DNA position 1561, C replaced by T.
Protein change: p.Arg521Cys; replaces arginine 521 with cysteine.
Molecular consequence: missense variant. On other transcripts: non-coding transcript variant (2).
Genome position (GRCh38, 1-based): chr5:1,293,325, G>A on the plus strand (C>T on the coding strand, the complement: TERT is on the minus strand). VCF-style: chr5-1293325-G-A. GRCh37 (hg19) VCF-style: chr5-1293440-G-A.
Other names: c.1561C>T, p.Arg521Cys (NM_001193376.3); short protein forms R521C.
Identifiers: ClinVar variation 580465 (VCV000580465.12), dbSNP rs1448835821, ClinGen allele CA359085034.

ClinVar aggregate classification (germline): Uncertain significance. Review status: criteria provided, multiple submitters, no conflicts (2 of 4 stars). 2 submissions from 2 submitters: Uncertain significance (2). Last evaluated 2025-05-13.

Conditions:
Idiopathic Pulmonary Fibrosis. Also called: Idiopathic fibrosing alveolitis, chronic form; idiopathic fibrosing alveolitis. Identifiers: Orphanet 2032, MedGen C1800706, MeSH D054990, MONDO:0800504.
Dyskeratosis congenita, autosomal dominant 2. Identifiers: MedGen C3151443, MONDO:0013521, OMIM 613989.
Dyskeratosis congenita. Identifiers: Orphanet 1775, MedGen C0265965, MONDO:0015780.

Allele frequency attached by ClinVar (database versions not stated): TOPMed below 0.00001; gnomAD 0.00001.

Submissions (2):

Ambry Genetics
Classification: Uncertain significance for Dyskeratosis congenita. Last evaluated: 2025-05-13. Review status: criteria provided, single submitter. Criteria: Ambry Variant Classification Scheme 2023. Collection method: clinical testing. Allele origin: germline.
Comment: The p.R521C variant (also known as c.1561C>T), located in coding exon 2 of the TERT gene, results from a C to T substitution at nucleotide position 1561. The arginine at codon 521 is replaced by cysteine, an amino acid with highly dissimilar properties. This amino acid position is well conserved in available vertebrate species. In addition, the in silico prediction for this alteration is inconclusive. Based on the available evidence, the clinical significance of this variant remains unclear.

Labcorp Genetics (formerly Invitae), Labcorp
Classification: Uncertain significance for Dyskeratosis congenita, autosomal dominant 2; Idiopathic Pulmonary Fibrosis. Last evaluated: 2025-04-14. Review status: criteria provided, single submitter. Criteria: Invitae Variant Classification Sherloc (09022015). Collection method: clinical testing. Allele origin: germline.
Comment: This sequence change replaces arginine, which is basic and polar, with cysteine, which is neutral and slightly polar, at codon 521 of the TERT protein (p.Arg521Cys). This variant is not present in population databases (gnomAD no frequency). This variant has not been reported in the literature in individuals affected with TERT-related conditions. ClinVar contains an entry for this variant (Variation ID: 580465). Invitae Evidence Modeling of protein sequence and biophysical properties (such as structural, functional, and spatial information, amino acid conservation, physicochemical variation, residue mobility, and thermodynamic stability) indicates that this missense variant is not expected to disrupt TERT protein function with a negative predictive value of 95%. In summary, the available evidence is currently insufficient to determine the role of this variant in disease. Therefore, it has been classified as a Variant of Uncertain Significance.